The following is an entry in ClinVar:

NM_004821.3(HAND1):c.202G>C (p.Ala68Pro)

Gene: HAND1 (heart and neural crest derivatives expressed 1; minus strand). Cytogenetic location: 5q33.2.
Variant type: single nucleotide variant.
Coding change: c.202G>C on transcript NM_004821.3 (MANE Select); coding-DNA position 202, G replaced by C.
Protein change: p.Ala68Pro; replaces alanine 68 with proline.
Molecular consequence: missense variant.
Genome position (GRCh38, 1-based): chr5:154,477,807, C>G on the plus strand (G>C on the coding strand, the complement: HAND1 is on the minus strand). VCF-style: chr5-154477807-C-G. GRCh37 (hg19) VCF-style: chr5-153857367-C-G.
Other names: c.202G>C (NM_004821.2); short protein forms A68P.
Identifiers: ClinVar variation 1404364 (VCV001404364.7), dbSNP rs374965548, ClinGen allele CA3526607.

ClinVar aggregate classification (germline): Uncertain significance. Review status: criteria provided, multiple submitters, no conflicts (2 of 4 stars). 2 submissions from 2 submitters: Uncertain significance (2). Last evaluated 2025-09-30.

Conditions:
Hypoplastic left heart syndrome. Also called: Hypoplastic left ventricle; Hypoplastic left heart. Identifiers: Orphanet 2248, MedGen C0152101, MONDO:0004933, HP:0004383.

Allele frequency attached by ClinVar (database versions not stated): gnomAD exomes 0.00001 and 0.00002; ExAC 0.00005; TOPMed 0.00009; gnomAD 0.00010; ESP Exome Variant Server 0.00025; 1000 Genomes Project 30x 0.00047; 1000 Genomes Project 0.00060.
gnomAD v4.1: 27 of 1,587,894 alleles (0.0017%); highest among the groups gnomAD compares: African/African-American, 0.03%; no homozygotes.

Submissions (2):

Labcorp Genetics (formerly Invitae), Labcorp
Classification: Uncertain significance for Hypoplastic left heart syndrome. Last evaluated: 2025-09-30. Review status: criteria provided, single submitter. Criteria: Invitae Variant Classification Sherloc (09022015). Collection method: clinical testing. Allele origin: germline.
Comment: This sequence change replaces alanine, which is neutral and non-polar, with proline, which is neutral and non-polar, at codon 68 of the HAND1 protein (p.Ala68Pro). The frequency data for this variant in the population databases is considered unreliable, as metrics indicate poor data quality at this position in the gnomAD database. This variant has not been reported in the literature in individuals affected with HAND1-related conditions. ClinVar contains an entry for this variant (Variation ID: 1404364). An algorithm developed to predict the effect of missense changes on protein structure and function (PolyPhen-2) suggests that this variant is likely to be tolerated. In summary, the available evidence is currently insufficient to determine the role of this variant in disease. Therefore, it has been classified as a Variant of Uncertain Significance.

Ambry Genetics
Classification: Uncertain significance. Last evaluated: 2025-08-25. Review status: criteria provided, single submitter. Criteria: Ambry Variant Classification Scheme 2023. Collection method: clinical testing. Allele origin: germline.